The following is an entry in ClinVar:

NM_001287491.2(TET3):c.1503G>A (p.Pro501=)

Gene: TET3 (tet methylcytosine dioxygenase 3; plus strand). Cytogenetic location: 2p13.1.
Variant type: single nucleotide variant.
Coding change: c.1503G>A on transcript NM_001287491.2 (MANE Select); coding-DNA position 1503, G replaced by A.
Protein change: p.Pro501=; no amino-acid change (proline 501 retained).
Molecular consequence: synonymous variant.
Genome position (GRCh38, 1-based): chr2:74,047,420, G>A. VCF-style: chr2-74047420-G-A. GRCh37 (hg19) VCF-style: chr2-74274547-G-A.
Other names: c.1224G>A, p.Pro408= (NM_001366022.1); c.1098G>A, p.Pro366= (NM_144993.1).
Identifiers: ClinVar variation 3030240 (VCV003030240.2), dbSNP rs781550128, ClinGen allele CA1718621.
Genomic context (GRCh38, chr2:74,047,420, plus strand): 5'-TGAGGCCCTGCCTACCAAGCCCAAGGTCAAGGTGGAGGCACCCTCTTCCTCCCCGGCCCC[G>A]GCCCCATCCCCTGTACTTCAGAGGGAGGCTCCCACGCCATCCTCGGAGCCCGACACCCAC-3'
Protein context (NP_001274420.1, residues 491-511): KVEAPSSSPA[Pro501=]APSPVLQREA

ClinVar aggregate classification (germline): Likely benign (0 of 4 stars; one submission).

Conditions:
TET3-related disorder. Also called: TET3-related condition; TET3-Related Disease.

Allele frequency attached by ClinVar (database versions not stated): ExAC 0.00001; gnomAD 0.00002; gnomAD exomes 0.00002; TOPMed 0.00002.

Submission:

PreventionGenetics, part of Exact Sciences
Classification: Likely benign for TET3-related condition. Last evaluated: 2023-11-06. Review status: no assertion criteria provided. Collection method: clinical testing. Allele origin: germline.
Comment: This variant is classified as likely benign based on ACMG/AMP sequence variant interpretation guidelines (Richards et al. 2015 PMID: 25741868, with internal and published modifications).